The following is an entry in ClinVar:

ClinVar aggregate classification (germline): Pathogenic/Likely pathogenic. Review status: criteria provided, multiple submitters, no conflicts (2 of 4 stars). 5 submissions from 5 submitters: Pathogenic (1); Likely pathogenic (4). Last evaluated 2026-01-05.

Conditions:
Achondrogenesis, type IB (ACG1B). Also called: Achondrogenesis Type 1B. Identifiers: Orphanet 932, Orphanet 93298, MedGen C0265274, MONDO:0010966, OMIM 600972.
Atelosteogenesis type II (AO2). Also called: Neonatal osseous dysplasia 1; SLC26A2-Related Atelosteogenesis; NEONATAL OSSEOUS DYSPLASIA I. Identifiers: Orphanet 56304, MedGen C1850554, MONDO:0009727, OMIM 256050.
Multiple epiphyseal dysplasia type 4 (EDM4). Also called: Multiple Epiphyseal Dysplasia, Recessive; SLC26A2-Related Multiple Epiphyseal Dysplasia; MULTIPLE EPIPHYSEAL DYSPLASIA WITH BILAYERED PATELLAE; MULTIPLE EPIPHYSEAL DYSPLASIA WITH CLUBFOOT; MULTIPLE EPIPHYSEAL DYSPLASIA, AUTOSOMAL RECESSIVE. Identifiers: Orphanet 93307, MedGen C1847593, MONDO:0009189, OMIM 226900.
Diastrophic dysplasia (DTD). Also called: Diastrophic dwarfism. Identifiers: Orphanet 628, MedGen C0220726, MONDO:0009107, OMIM 222600.

Submissions (5):

Natera, Inc.
Classification: Likely pathogenic for Achondrogenesis type IB. Last evaluated: 2026-01-05. Review status: criteria provided, single submitter. Criteria: Natera Variant Classification Schema (03/2026). Collection method: clinical testing. Allele origin: germline.
Comment: The c.438dup variant in SLC26A2 is a frameshift variant predicted to shift the reading frame beginning at codon 147 and leads to a stop codon 28 codons downstream. This variant is expected to result in nonsense mediated decay, truncation, or a dysfunctional protein product. This variant is rare in the general population with a frequency below the threshold expected for the associated phenotype(s). Given the available evidence, this variant is classified as Likely Pathogenic.

Fulgent Genetics
Classification: Likely pathogenic for Diastrophic dysplasia; Multiple epiphyseal dysplasia type 4; Atelosteogenesis type II; Achondrogenesis, type IB. Last evaluated: 2024-02-21. Review status: criteria provided, single submitter. Criteria: ACMG Guidelines, 2015. Collection method: clinical testing. Allele origin: germline.

Baylor Genetics
Classification: Likely pathogenic for Achondrogenesis, type IB. Last evaluated: 2023-08-19. Review status: criteria provided, single submitter. Criteria: ACMG Guidelines, 2015. Collection method: clinical testing. Allele origin: unknown.

Labcorp Genetics (formerly Invitae), Labcorp
Classification: Pathogenic for Atelosteogenesis type II; Multiple epiphyseal dysplasia type 4; Achondrogenesis, type IB; Diastrophic dysplasia. Last evaluated: 2023-08-14. Review status: criteria provided, single submitter. Criteria: Invitae Variant Classification Sherloc (09022015). Collection method: clinical testing. Allele origin: germline.
Comment: For these reasons, this variant has been classified as Pathogenic. This sequence change creates a premature translational stop signal (p.Ala147Cysfs*28) in the SLC26A2 gene. It is expected to result in an absent or disrupted protein product. Loss-of-function variants in SLC26A2 are known to be pathogenic (PMID: 7923357, 10482955, 11241838). The frequency data for this variant in the population databases is considered unreliable, as metrics indicate poor data quality at this position in the gnomAD database. This variant has not been reported in the literature in individuals affected with SLC26A2-related conditions. ClinVar contains an entry for this variant (Variation ID: 656557).

Neuberg Centre For Genomic Medicine, NCGM
Classification: Likely pathogenic for Atelosteogenesis type II. Review status: criteria provided, single submitter. Criteria: ACMG Guidelines, 2015. Collection method: clinical testing. Allele origin: germline. Inheritance: Autosomal recessive inheritance. Affected: yes.
Comment: The observed frameshift c.438dup(p.Ala147CysfsTer28) variant in SLC26A2 gene has not been reported previously as a pathogenic variant nor as a benign variant, to our knowledge. This variant is present with an allele frequency of 0.0008% in gnomAD Exomes database. This variant has been submitted to the ClinVar database as Pathogenic. This variant causes a frameshift starting with codon Alanine 147, changes this amino acid to Cysteine residue, and creates a premature Stop codon at position 28 of the new reading frame, denoted p.Ala147CysfsTer28. This variant is predicted to cause loss of normal protein function through protein truncation. Loss of function variants have been previously reported to be disease causing. Functional studies are required to prove pathogenicity of the variant. For these reasons, this variant has been classified as Likely Pathogenic. In absence of another reportable variant in SLC26A2 gene, the molecular diagnosis is not confirmed.

Literature cited by the submitters: PubMed 7923357 (cited by Labcorp Genetics (formerly Invitae), Labcorp); PubMed 10482955 (cited by Labcorp Genetics (formerly Invitae), Labcorp); PubMed 11241838 (cited by Labcorp Genetics (formerly Invitae), Labcorp).

NM_000112.4(SLC26A2):c.438dup (p.Ala147fs)

Gene: SLC26A2 (solute carrier family 26 member 2; plus strand). Cytogenetic location: 5q32.
Variant type: Duplication.
Coding change: c.438dup on transcript NM_000112.4 (MANE Select); coding-DNA position 438, one base duplicated (T; older notation c.438dupT).
Protein change: p.Ala147fs; shifts the reading frame from alanine 147.
Molecular consequence: frameshift variant.
Genome position (GRCh38, 1-based): chr5:149,978,090, T duplicated; the last of 7 consecutive T bases (chr5:149,978,084-149,978,090); duplicating any one gives the same sequence. VCF-style (leftmost placement, unchanged base first): chr5-149978083-C-CT. GRCh37 (hg19) VCF-style: chr5-149357646-C-CT.
Other names: c.438dupT (NM_000112.3); c.438dup (NM_000112.3); short protein forms A147fs.
Identifiers: ClinVar variation 656557 (VCV000656557.11), dbSNP rs769859976, ClinGen allele CA3505247.